The following is an entry in ClinVar:

NM_015465.5(GEMIN5):c.3149C>A (p.Thr1050Asn)

Gene: GEMIN5 (gem nuclear organelle associated protein 5; minus strand). Cytogenetic location: 5q33.2.
Variant type: single nucleotide variant.
Coding change: c.3149C>A on transcript NM_015465.5 (MANE Select); coding-DNA position 3149, C replaced by A.
Protein change: p.Thr1050Asn; replaces threonine 1050 with asparagine.
Molecular consequence: missense variant.
Genome position (GRCh38, 1-based): chr5:154,898,636, G>T on the plus strand (C>A on the coding strand, the complement: GEMIN5 is on the minus strand). VCF-style: chr5-154898636-G-T. GRCh37 (hg19) VCF-style: chr5-154278196-G-T.
Other names: c.3146C>A, p.Thr1049Asn (NM_001252156.2); short protein forms T1049N, T1050N.
Identifiers: ClinVar variation 1317022 (VCV001317022.3), dbSNP rs889475433, ClinGen allele CA130122022.

ClinVar aggregate classification (germline): Uncertain significance (1 of 4 stars; one submission).

Allele frequency attached by ClinVar (database versions not stated): gnomAD exomes below 0.00001; gnomAD 0.00001; TOPMed 0.00002.
gnomAD v4.1: 2 of 1,612,238 alleles (0.00012%); highest among the groups gnomAD compares: African/African-American, 0.0027%; no homozygotes.

Submission:

GeneDx
Classification: Uncertain significance. Last evaluated: 2022-05-16. Review status: criteria provided, single submitter. Criteria: GeneDx Variant Classification Process June 2021. Collection method: clinical testing. Allele origin: germline. Affected: yes.
Comment: Not observed at significant frequency in large population cohorts (gnomAD); In silico analysis, which includes protein predictors and evolutionary conservation, supports that this variant does not alter protein structure/function; Has not been previously published as pathogenic or benign to our knowledge